The following is an entry in ClinVar:

NM_001048174.2(MUTYH):c.866T>A (p.Leu289His)

Gene: MUTYH (mutY DNA glycosylase; minus strand). Cytogenetic location: 1p34.1.
Variant type: single nucleotide variant.
Coding change: c.866T>A on transcript NM_001048174.2 (MANE Select); coding-DNA position 866, T replaced by A.
Protein change: p.Leu289His; replaces leucine 289 with histidine.
Molecular consequence: missense variant. On other transcripts: non-coding transcript variant (2).
Genome position (GRCh38, 1-based): chr1:45,332,070, A>T on the plus strand (T>A on the coding strand, the complement: MUTYH is on the minus strand). VCF-style: chr1-45332070-A-T. GRCh37 (hg19) VCF-style: chr1-45797742-A-T.
Other names: c.866T>A, p.Leu289His (NM_001048171.2, NM_001048173.2, NM_001293195.2); c.869T>A, p.Leu290His (NM_001048172.2); c.950T>A, p.Leu317His (NM_001128425.2); c.911T>A, p.Leu304His (NM_001293190.2); c.899T>A, p.Leu300His (NM_001293191.2); c.590T>A, p.Leu197His (NM_001293192.2, NM_001293196.2); c.521T>A, p.Leu174His (NM_001350650.2, NM_001350651.2); c.941T>A, p.Leu314His (NM_012222.3); short protein forms L197H, L300H, L174H, L290H, L314H, L317H, L289H, L304H.
Identifiers: ClinVar variation 926407 (VCV000926407.21), dbSNP rs878854195, ClinGen allele CA340134181.

ClinVar aggregate classification (germline): Uncertain significance. Review status: criteria provided, multiple submitters, no conflicts (2 of 4 stars). 4 submissions from 4 submitters: Uncertain significance (4). Last evaluated 2025-08-22.

Conditions:
Familial adenomatous polyposis 2. Also called: MYH-associated polyposis; MUTYH-related attenuated familial adenomatous polyposis; Adenomas, multiple colorectal; MUTYH Polyposis; MUTYH-associated polyposis; COLORECTAL ADENOMATOUS POLYPOSIS, AUTOSOMAL RECESSIVE. Identifiers: Orphanet 220460, Orphanet 247798, MedGen C3272841, MONDO:0012041, OMIM 608456.
Hereditary cancer-predisposing syndrome. Also called: Neoplastic Syndromes, Hereditary; Tumor predisposition; Hereditary neoplastic syndrome; Hereditary Cancer Syndrome. Identifiers: Orphanet 140162, MedGen C0027672, MeSH D009386, MONDO:0015356.

Allele frequency attached by ClinVar (database versions not stated): gnomAD below 0.00001 and 0.00001.
gnomAD v4.1: 2 of 1,614,042 alleles (0.00012%); highest among the groups gnomAD compares: South Asian, 0.0011%; no homozygotes.

Submissions (4):

Ambry Genetics
Classification: Uncertain significance for Hereditary cancer-predisposing syndrome. Last evaluated: 2025-08-22. Review status: criteria provided, single submitter. Criteria: Ambry Variant Classification Scheme 2023. Collection method: clinical testing. Allele origin: germline.
Comment: The p.L317H variant (also known as c.950T>A), located in coding exon 11 of the MUTYH gene, results from a T to A substitution at nucleotide position 950. The leucine at codon 317 is replaced by histidine, an amino acid with similar properties. This amino acid position is conserved. In addition, this alteration is predicted to be tolerated by in silico analysis. Based on the available evidence, the clinical significance of this variant remains unclear.

CeGaT Center for Human Genetics Tuebingen
Classification: Uncertain significance. Last evaluated: 2024-11-01. Review status: criteria provided, single submitter. Criteria: CeGaT Center For Human Genetics Tuebingen Variant Classification Criteria Version 2. Collection method: clinical testing. Allele origin: germline. Affected: yes. Observed: 1 variant allele.
Comment: MUTYH: PM2, BP4

Labcorp Genetics (formerly Invitae), Labcorp
Classification: Uncertain significance for Familial adenomatous polyposis 2. Last evaluated: 2024-02-25. Review status: criteria provided, single submitter. Criteria: Invitae Variant Classification Sherloc (09022015). Collection method: clinical testing. Allele origin: germline.
Comment: This sequence change replaces leucine, which is neutral and non-polar, with histidine, which is basic and polar, at codon 317 of the MUTYH protein (p.Leu317His). This variant is not present in population databases (gnomAD no frequency). This variant has not been reported in the literature in individuals affected with MUTYH-related conditions. ClinVar contains an entry for this variant (Variation ID: 926407). Algorithms developed to predict the effect of missense changes on protein structure and function output the following: SIFT: "Not Available"; PolyPhen-2: "Benign"; Align-GVGD: "Not Available". The histidine amino acid residue is found in multiple mammalian species, which suggests that this missense change does not adversely affect protein function. In summary, the available evidence is currently insufficient to determine the role of this variant in disease. Therefore, it has been classified as a Variant of Uncertain Significance.

Color Diagnostics, LLC DBA Color Health
Classification: Uncertain significance for Hereditary cancer-predisposing syndrome. Last evaluated: 2023-12-04. Review status: criteria provided, single submitter. Criteria: ACMG Guidelines, 2015. Collection method: clinical testing. Allele origin: germline.
Comment: This missense variant replaces leucine with histidine at codon 317 of the MUTYH protein. Computational prediction suggests that this variant may not impact protein structure and function (internally defined REVEL score threshold <= 0.5, PMID: 27666373). To our knowledge, functional studies have not been reported for this variant. This variant has not been reported in individuals affected with MUTYH-related disorders in the literature. This variant has not been identified in the general population by the Genome Aggregation Database (gnomAD). The available evidence is insufficient to determine the role of this variant in disease conclusively. Therefore, this variant is classified as a Variant of Uncertain Significance.